The following is an entry in ClinVar:

ClinVar aggregate classification (germline): Uncertain significance. Review status: criteria provided, multiple submitters, no conflicts (2 of 4 stars). 2 submissions from 2 submitters: Uncertain significance (2). Last evaluated 2025-04-27.

gnomAD v4.1: 1 of 1,613,992 alleles (0.000062%); highest among the groups gnomAD compares: Admixed American, 0.0017%; no homozygotes.

Submissions (2):

GeneDx
Classification: Uncertain significance. Last evaluated: 2025-04-27. Review status: criteria provided, single submitter. Criteria: GeneDx Variant Classification Process June 2021. Collection method: clinical testing. Allele origin: germline. Affected: yes.
Comment: Not observed at significant frequency in large population cohorts (gnomAD); In silico analysis indicates that this missense variant does not alter protein structure/function; Has not been previously published as pathogenic or benign to our knowledge

Labcorp Genetics (formerly Invitae), Labcorp
Classification: Uncertain significance. Last evaluated: 2022-03-19. Review status: criteria provided, single submitter. Criteria: Invitae Variant Classification Sherloc (09022015). Collection method: clinical testing. Allele origin: germline.
Comment: This sequence change replaces leucine, which is neutral and non-polar, with valine, which is neutral and non-polar, at codon 1489 of the LAMC3 protein (p.Leu1489Val). This variant is not present in population databases (gnomAD no frequency). This variant has not been reported in the literature in individuals affected with LAMC3-related conditions. Algorithms developed to predict the effect of missense changes on protein structure and function are either unavailable or do not agree on the potential impact of this missense change (SIFT: "Deleterious"; PolyPhen-2: "Probably Damaging"; Align-GVGD: "Class C0"). In summary, the available evidence is currently insufficient to determine the role of this variant in disease. Therefore, it has been classified as a Variant of Uncertain Significance.

NM_006059.4(LAMC3):c.4465C>G (p.Leu1489Val)

Gene: LAMC3 (laminin subunit gamma 3; plus strand). Cytogenetic location: 9q34.12.
Variant type: single nucleotide variant.
Coding change: c.4465C>G on transcript NM_006059.4 (MANE Select); coding-DNA position 4465, C replaced by G.
Protein change: p.Leu1489Val; replaces leucine 1489 with valine.
Molecular consequence: missense variant.
Genome position (GRCh38, 1-based): chr9:131,087,805, C>G. VCF-style: chr9-131087805-C-G. GRCh37 (hg19) VCF-style: chr9-133963192-C-G.
Other names: c.4465C>G (NM_006059.3); short protein forms L1489V.
Identifiers: ClinVar variation 1962348 (VCV001962348.3), dbSNP rs765450550, ClinGen allele CA375266338.